The following is an entry in ClinVar:

NM_001378120.1(MBD5):c.2454G>A (p.Thr818=)

Gene: MBD5 (methyl-CpG binding domain protein 5; plus strand). Cytogenetic location: 2q23.1.
Variant type: single nucleotide variant.
Coding change: c.2454G>A on transcript NM_001378120.1 (MANE Select); coding-DNA position 2454, G replaced by A.
Protein change: p.Thr818=; no amino-acid change (threonine 818 retained).
Molecular consequence: synonymous variant.
Genome position (GRCh38, 1-based): chr2:148,470,397, G>A. VCF-style: chr2-148470397-G-A. GRCh37 (hg19) VCF-style: chr2-149227966-G-A.
Other names: c.2454G>A, p.Thr818= (NM_018328.5).
Identifiers: ClinVar variation 331340 (VCV000331340.6), dbSNP rs769275989, ClinGen allele CA1900145.

ClinVar aggregate classification (germline): Likely benign. Review status: criteria provided, multiple submitters, no conflicts (2 of 4 stars). 2 submissions from 2 submitters: Likely benign (2). Last evaluated 2023-06-18.

Conditions:
Intellectual developmental disorder, autosomal dominant 1. Also called: Intellectual disability, autosomal dominant 1; MBD5 Haploinsufficiency. Identifiers: Orphanet 228402, MedGen C1969562, MONDO:0007974, OMIM 156200.

Allele frequency attached by ClinVar (database versions not stated): gnomAD 0.00004 and 0.00003; ExAC 0.00002; gnomAD exomes 0.00001 and 0.00002; TOPMed 0.00002.
gnomAD v4.1: 20 of 1,613,112 alleles (0.0012%); highest among the groups gnomAD compares: South Asian, 0.0033%; no homozygotes.

Submissions (2):

Labcorp Genetics (formerly Invitae), Labcorp
Classification: Likely benign for Intellectual developmental disorder, autosomal dominant 1. Last evaluated: 2023-06-18. Review status: criteria provided, single submitter. Criteria: Invitae Variant Classification Sherloc (09022015). Collection method: clinical testing. Allele origin: germline.

GeneDx
Classification: Likely benign. Last evaluated: 2017-10-26. Review status: criteria provided, single submitter. Criteria: GeneDx Variant Classification (06012015). Collection method: clinical testing. Allele origin: germline. Affected: yes.
Comment: This variant is considered likely benign or benign based on one or more of the following criteria: it is a conservative change, it occurs at a poorly conserved position in the protein, it is predicted to be benign by multiple in silico algorithms, and/or has population frequency not consistent with disease.